The following is an entry in ClinVar:

ClinVar aggregate classification (germline): Uncertain significance. Review status: criteria provided, multiple submitters, no conflicts (2 of 4 stars). 3 submissions from 3 submitters: Uncertain significance (3). Last evaluated 2022-04-20.

Conditions:
Emery-Dreifuss muscular dystrophy 4, autosomal dominant (EDMD4). Also called: EMERY-DREIFUSS MUSCULAR DYSTROPHY 4 WITH VARIABLE FEATURES. Identifiers: Orphanet 261, MedGen C2751807, MONDO:0013071, OMIM 612998.
Autosomal recessive ataxia, Beauce type. Also called: SYNE1-Related Autosomal Recessive Cerebellar Ataxia; Spinocerebellar ataxia, autosomal recessive 8; ATAXIA, RECESSIVE, OF BEAUCE; SYNE1 Deficiency. Identifiers: Orphanet 88644, MedGen C1853116, MONDO:0012549, OMIM 610743.

Allele frequency attached by ClinVar (database versions not stated): ExAC 0.00002; gnomAD 0.00002 and 0.00003; gnomAD exomes 0.00003; TOPMed 0.00003; ESP Exome Variant Server 0.00008.
gnomAD v4.1: 92 of 1,613,596 alleles (0.0057%); highest among the groups gnomAD compares: Non-Finnish European, 0.0074%; no homozygotes.

Submissions (3):

Labcorp Genetics (formerly Invitae), Labcorp
Classification: Uncertain significance for Emery-Dreifuss muscular dystrophy 4, autosomal dominant; Autosomal recessive ataxia, Beauce type. Last evaluated: 2022-04-20. Review status: criteria provided, single submitter. Criteria: Invitae Variant Classification Sherloc (09022015). Collection method: clinical testing. Allele origin: germline.
Comment: This sequence change replaces alanine, which is neutral and non-polar, with serine, which is neutral and polar, at codon 5307 of the SYNE1 protein (p.Ala5307Ser). This variant is present in population databases (rs374220794, gnomAD 0.007%). This variant has not been reported in the literature in individuals affected with SYNE1-related conditions. Algorithms developed to predict the effect of missense changes on protein structure and function (SIFT, PolyPhen-2, Align-GVGD) all suggest that this variant is likely to be tolerated. In summary, the available evidence is currently insufficient to determine the role of this variant in disease. Therefore, it has been classified as a Variant of Uncertain Significance.

Athena Diagnostics
Classification: Uncertain significance. Last evaluated: 2021-08-25. Review status: criteria provided, single submitter. Criteria: Athena Diagnostics Criteria. Collection method: clinical testing. Allele origin: unknown.

Revvity Omics, Revvity
Classification: Uncertain significance. Last evaluated: 2020-03-09. Review status: criteria provided, single submitter. Criteria: ACMG Guidelines, 2015. Collection method: clinical testing. Allele origin: germline.

NM_182961.4(SYNE1):c.16132G>T (p.Ala5378Ser)

Gene: SYNE1 (spectrin repeat containing nuclear envelope protein 1; minus strand). Cytogenetic location: 6q25.2.
Variant type: single nucleotide variant.
Coding change: c.16132G>T on transcript NM_182961.4 (MANE Select); coding-DNA position 16132, G replaced by T.
Protein change: p.Ala5378Ser; replaces alanine 5378 with serine.
Molecular consequence: missense variant.
Genome position (GRCh38, 1-based): chr6:152,321,342, C>A on the plus strand (G>T on the coding strand, the complement: SYNE1 is on the minus strand). VCF-style: chr6-152321342-C-A. GRCh37 (hg19) VCF-style: chr6-152642477-C-A.
Other names: c.15919G>T (NM_033071.3); c.15919G>T, p.Ala5307Ser (NM_033071.5); short protein forms A5307S, A5378S.
Identifiers: ClinVar variation 1396948 (VCV001396948.8), dbSNP rs374220794, ClinGen allele CA4055599.
Genomic context (GRCh38, chr6:152,321,342, plus strand): 5'-GGGAGAGTTCAGAAGGTAATATGGTATAAAGACCTAAGTACTTCTCCTTCTGTTCTTCTG[C>A]CATTTTTTCAATGTTCTGTCGGTGATTTGTGGCTTCTGTTAGGAGAATCTGAAGAAAAGA-3'
Protein context (NP_892006.3, residues 5368-5388): TNHRQNIEKM[Ala5378Ser]EEQKEKYLGL